The following is an entry in ClinVar:

NM_020702.5(MYORG):c.1333C>T (p.Gln445Ter)

Gene: MYORG (myogenesis regulating glycosidase; minus strand). Cytogenetic location: 9p13.3.
Variant type: single nucleotide variant.
Coding change: c.1333C>T on transcript NM_020702.5 (MANE Select); coding-DNA position 1333, C replaced by T.
Protein change: p.Gln445Ter; replaces glutamine 445 with a stop codon.
Molecular consequence: nonsense.
Genome position (GRCh38, 1-based): chr9:34,371,611, G>A on the plus strand (C>T on the coding strand, the complement: MYORG is on the minus strand). VCF-style: chr9-34371611-G-A. GRCh37 (hg19) VCF-style: chr9-34371609-G-A.
Other names: short protein forms Q445*.
Identifiers: ClinVar variation 617694 (VCV000617694.5), dbSNP rs1563981743, ClinGen allele CA373241638.

ClinVar aggregate classification (germline): Likely pathogenic. Review status: criteria provided, single submitter (1 of 4 stars). 2 submissions from 2 submitters: Likely pathogenic (1). 1 of the submissions does not count toward it. Last evaluated 2019-06-13.

Conditions:
Basal ganglia calcification, idiopathic, 7, autosomal recessive. Also called: PRIMARY FAMILIAL BRAIN CALCIFICATION 7, AUTOSOMAL RECESSIVE. Identifiers: MedGen C5193025, MONDO:0032673, OMIM 618317.

gnomAD v4.1: 2 of 1,605,958 alleles (0.00012%); highest among the groups gnomAD compares: East Asian, 0.0022%; no homozygotes.

Submissions (2):

SIB Swiss Institute of Bioinformatics
Classification: Likely pathogenic for Basal ganglia calcification, idiopathic, 7, autosomal recessive. Last evaluated: 2019-06-13. Review status: criteria provided, single submitter. Criteria: ACMG Guidelines, 2015. Collection method: curation. Allele origin: unknown.
Comment: This variant is interpreted as a Likely pathogenic for Basal ganglia calcification, idiopathic, 7, autosomal recessive. The following ACMG Tag(s) were applied: PM2, PM3-Supporting, PVS1-Strong.

OMIM
Classification: Pathogenic for PRIMARY FAMILIAL BRAIN CALCIFICATION 7, AUTOSOMAL RECESSIVE. Last evaluated: 2026-11-13. Review status: no assertion criteria provided. Collection method: literature only. Allele origin: germline. Not counted in ClinVar's aggregate classification.

Literature cited by the submitters: PubMed 30460687 (cited by SIB Swiss Institute of Bioinformatics and OMIM); PubMed 31009047 (cited by SIB Swiss Institute of Bioinformatics).